The following is an entry in ClinVar:

NM_001083116.3(PRF1):c.1069C>T (p.Arg357Trp)

Gene: PRF1 (perforin 1; minus strand). Cytogenetic location: 10q22.1.
Variant type: single nucleotide variant.
Coding change: c.1069C>T on transcript NM_001083116.3 (MANE Select); coding-DNA position 1069, C replaced by T.
Protein change: p.Arg357Trp; replaces arginine 357 with tryptophan.
Molecular consequence: missense variant.
Genome position (GRCh38, 1-based): chr10:70,598,652, G>A on the plus strand (C>T on the coding strand, the complement: PRF1 is on the minus strand). VCF-style: chr10-70598652-G-A. GRCh37 (hg19) VCF-style: chr10-72358408-G-A.
Other names: c.1069C>T, p.Arg357Trp (NM_005041.6); short protein forms R357W.
Identifiers: ClinVar variation 959641 (VCV000959641.7), dbSNP rs757636984, ClinGen allele CA5538833.
Genomic context (GRCh38, chr10:70,598,652, plus strand): 5'-AGTCCCTCCAGCGAGCCCTGTCCGTCAGGTACTGACTCAGGGCCCTCCTCAGTGCCTCCC[G>A]CCGCGGGTCCTGGCTGTCCAGCAGCACGTGCAGGGGTTCCAGGGTGTAGTCCACCAGGCC-3'
Protein context (NP_001076585.1, residues 347-367): HVLLDSQDPR[Arg357Trp]EALRRALSQY

ClinVar aggregate classification (germline): Uncertain significance (1 of 4 stars; one submission).

Conditions:
Familial hemophagocytic lymphohistiocytosis 2 (FHL2). Also called: PRF1-Related Familial Hemophagocytic Lymphohistiocytosis (PRF1-fHLH). Identifiers: Orphanet 540, MedGen C1863727, MONDO:0011337, OMIM 603553.

Allele frequency attached by ClinVar (database versions not stated): TOPMed below 0.00001; ExAC 0.00001; gnomAD exomes 0.00001.

Submission:

Labcorp Genetics (formerly Invitae), Labcorp
Classification: Uncertain significance for Familial hemophagocytic lymphohistiocytosis 2. Last evaluated: 2022-10-17. Review status: criteria provided, single submitter. Criteria: Invitae Variant Classification Sherloc (09022015). Collection method: clinical testing. Allele origin: germline.
Comment: This sequence change replaces arginine, which is basic and polar, with tryptophan, which is neutral and slightly polar, at codon 357 of the PRF1 protein (p.Arg357Trp). This variant is present in population databases (rs757636984, gnomAD 0.006%). This missense change has been observed in individual(s) with multiple sclerosis and venous thromboembolism (PMID: 18496551, 26221353). ClinVar contains an entry for this variant (Variation ID: 959641). Advanced modeling of protein sequence and biophysical properties (such as structural, functional, and spatial information, amino acid conservation, physicochemical variation, residue mobility, and thermodynamic stability) has been performed at Invitae for this missense variant, however the output from this modeling did not meet the statistical confidence thresholds required to predict the impact of this variant on PRF1 protein function. In summary, the available evidence is currently insufficient to determine the role of this variant in disease. Therefore, it has been classified as a Variant of Uncertain Significance.

Literature cited by the submitters: PubMed 18496551; PubMed 26221353.